The following is an entry in ClinVar:

NM_001358263.1(HK1):c.75+5173_75+5174inv

Gene: HK1 (hexokinase 1; plus strand). Cytogenetic location: 10q22.1.
Variant type: Inversion.
Coding change: c.75+5173_75+5174inv on transcript NM_001358263.1 (MANE Plus Clinical).
Molecular consequence: intron variant. On other transcripts: missense variant (2).
Genome position: GRCh38 VCF-style: chr10-69300853-CA-TG. GRCh37 (hg19) VCF-style: chr10-71060609-CA-TG.
Other names: c.19_20inv, p.His7Cys (NM_033500.2); c.168+5173_168+5174inv (NM_001322365.2); c.75+5173_75+5174inv (NM_033498.3, NM_033497.3, NM_001322364.2); c.19_20delinsTG (NM_033500.2); short protein forms H7C.
Identifiers: ClinVar variation 2920798 (VCV002920798.2), ClinGen allele CA1139661464.

ClinVar aggregate classification (germline): Likely benign. Review status: criteria provided, single submitter (1 of 4 stars). 2 submissions from 2 submitters: Likely benign (1). 1 of the submissions does not count toward it. Last evaluated 2023-10-11.

Conditions:
HK1-related disorder. Also called: HK1-related disorders; HK1-related condition.

Submissions (2):

ARUP Laboratories, Molecular Genetics and Genomics, ARUP Laboratories
Classification: Likely benign. Last evaluated: 2023-10-11. Review status: criteria provided, single submitter. Criteria: ARUP Molecular Germline Variant Investigation Process 2024. Collection method: clinical testing. Allele origin: germline.

PreventionGenetics, part of Exact Sciences
Classification: Uncertain significance for HK1-related condition. Last evaluated: 2024-09-19. Review status: no assertion criteria provided. Collection method: clinical testing. Allele origin: germline. Not counted in ClinVar's aggregate classification.
Comment: The HK1 c.19_20delinsTG variant is predicted to result in an in-frame deletion and insertion. To our knowledge, this variant has not been reported in the literature or in a large population database, indicating this variant is rare. At this time, the clinical significance of this variant is uncertain due to the absence of conclusive functional and genetic evidence.